The following is an entry in ClinVar:

NM_020987.5(ANK3):c.8612C>T (p.Ser2871Leu)

Gene: ANK3 (ankyrin 3; minus strand). Cytogenetic location: 10q21.2.
Variant type: single nucleotide variant.
Coding change: c.8612C>T on transcript NM_020987.5 (MANE Select); coding-DNA position 8612, C replaced by T.
Protein change: p.Ser2871Leu; replaces serine 2871 with leucine.
Molecular consequence: missense variant. On other transcripts: intron variant (4).
Genome position (GRCh38, 1-based): chr10:60,072,269, G>A on the plus strand (C>T on the coding strand, the complement: ANK3 is on the minus strand). VCF-style: chr10-60072269-G-A. GRCh37 (hg19) VCF-style: chr10-61832027-G-A.
Other names: c.4388-4260C>T (NM_001204403.2); c.4409-4260C>T (NM_001204404.2); c.4406-4260C>T (NM_001320874.2); c.1808-4260C>T (NM_001149.4); c.8612C>T (NM_020987.3); short protein forms S2871L.
Identifiers: ClinVar variation 2071046 (VCV002071046.5), dbSNP rs201118487, ClinGen allele CA5511519.
Genomic context (GRCh38, chr10:60,072,269, plus strand): 5'-ACACTTTTACTCTCAGGGTGACCAATGTGATTCTCTCTTACATCATGAACAAGTACATGC[G>A]AAAGTTTTTCTTTCTGAGACTTATTGTTAGTGGCTCCCGAACTCTCCCATGTTCTAAAGA-3'
Protein context (NP_066267.2, residues 2861-2881): TNNKSQKEKL[Ser2871Leu]HVLVHDVREN

ClinVar aggregate classification (germline): Uncertain significance. Review status: criteria provided, multiple submitters, no conflicts (2 of 4 stars). 2 submissions from 2 submitters: Uncertain significance (2). Last evaluated 2025-08-23.

Conditions:
Inborn genetic diseases. Identifiers: MedGen C0950123, MeSH D030342.

Allele frequency attached by ClinVar (database versions not stated): ESP Exome Variant Server 0.00015; ExAC 0.00016; TOPMed 0.00017; gnomAD 0.00019; gnomAD exomes 0.00022.
gnomAD v4.1: 343 of 1,613,948 alleles (0.021%); highest among the groups gnomAD compares: Non-Finnish European, 0.025%; no homozygotes.

Submissions (2):

Labcorp Genetics (formerly Invitae), Labcorp
Classification: Uncertain significance. Last evaluated: 2025-08-23. Review status: criteria provided, single submitter. Criteria: Invitae Variant Classification Sherloc (09022015). Collection method: clinical testing. Allele origin: germline.
Comment: This sequence change replaces serine, which is neutral and polar, with leucine, which is neutral and non-polar, at codon 2871 of the ANK3 protein (p.Ser2871Leu). This variant is present in population databases (rs201118487, gnomAD 0.02%). This variant has not been reported in the literature in individuals affected with ANK3-related conditions. ClinVar contains an entry for this variant (Variation ID: 2071046). Invitae Evidence Modeling of protein sequence and biophysical properties (such as structural, functional, and spatial information, amino acid conservation, physicochemical variation, residue mobility, and thermodynamic stability) indicates that this missense variant is not expected to disrupt ANK3 protein function with a negative predictive value of 80%. In summary, the available evidence is currently insufficient to determine the role of this variant in disease. Therefore, it has been classified as a Variant of Uncertain Significance.

Ambry Genetics
Classification: Uncertain significance for Inborn genetic diseases. Last evaluated: 2022-05-13. Review status: criteria provided, single submitter. Criteria: Ambry Variant Classification Scheme 2023. Collection method: clinical testing. Allele origin: germline.